The following is an entry in ClinVar:

NM_018026.4(PACS1):c.464G>A (p.Arg155His)

Gene: PACS1 (phosphofurin acidic cluster sorting protein 1; plus strand). Cytogenetic location: 11q13.2.
Variant type: single nucleotide variant.
Coding change: c.464G>A on transcript NM_018026.4 (MANE Select); coding-DNA position 464, G replaced by A.
Protein change: p.Arg155His; replaces arginine 155 with histidine.
Molecular consequence: missense variant.
Genome position (GRCh38, 1-based): chr11:66,210,381, G>A. VCF-style: chr11-66210381-G-A. GRCh37 (hg19) VCF-style: chr11-65977852-G-A.
Other names: short protein forms R155H.
Identifiers: ClinVar variation 4282272 (VCV004282272.2).

ClinVar aggregate classification (germline): Uncertain significance (1 of 4 stars; one submission).

gnomAD v4.1: 5 of 1,613,836 alleles (0.00031%); highest among the groups gnomAD compares: Non-Finnish European, 0.00042%; no homozygotes.

Submission:

GeneDx
Classification: Uncertain significance. Last evaluated: 2025-11-07. Review status: criteria provided, single submitter. Criteria: GeneDx Variant Classification Process June 2021. Collection method: clinical testing. Allele origin: germline.
Comment: Not observed at significant frequency in large population cohorts (gnomAD); In silico analysis supports that this missense variant has a deleterious effect on protein structure/function; Has not been previously published as pathogenic or benign to our knowledge